The following is an entry in ClinVar:

ClinVar aggregate classification (germline): Uncertain significance. Review status: criteria provided, multiple submitters, no conflicts (2 of 4 stars). 2 submissions from 2 submitters: Uncertain significance (2). Last evaluated 2025-11-19.

Conditions:
THPO-related disorder. Also called: THPO-related condition.

Allele frequency attached by ClinVar (database versions not stated): gnomAD 0.00001; gnomAD exomes 0.00001; TOPMed 0.00001.

Submissions (2):

PreventionGenetics, part of Exact Sciences
Classification: Uncertain significance for THPO-related condition. Last evaluated: 2025-11-19. Review status: criteria provided, single submitter. Criteria: ACMG Guidelines, 2015. Collection method: clinical testing. Allele origin: germline.
Comment: The THPO c.339G>C variant is predicted to result in the amino acid substitution p.Gln113His. To our knowledge, this variant has not been reported in the literature. This variant is reported in 0.00088% of alleles in individuals of European (Non-Finnish) descent in gnomAD. At this time, the clinical significance of this variant is uncertain due to the absence of conclusive functional and genetic evidence.

Labcorp Genetics (formerly Invitae), Labcorp
Classification: Uncertain significance. Last evaluated: 2022-11-23. Review status: criteria provided, single submitter. Criteria: Invitae Variant Classification Sherloc (09022015). Collection method: clinical testing. Allele origin: germline.
Comment: This variant is present in population databases (rs746148859, gnomAD 0.0009%). This sequence change replaces glutamine, which is neutral and polar, with histidine, which is basic and polar, at codon 113 of the THPO protein (p.Gln113His). This variant has not been reported in the literature in individuals affected with THPO-related conditions. Advanced modeling of protein sequence and biophysical properties (such as structural, functional, and spatial information, amino acid conservation, physicochemical variation, residue mobility, and thermodynamic stability) has been performed at Invitae for this missense variant, however the output from this modeling did not meet the statistical confidence thresholds required to predict the impact of this variant on THPO protein function. In summary, the available evidence is currently insufficient to determine the role of this variant in disease. Therefore, it has been classified as a Variant of Uncertain Significance.

NM_000460.4(THPO):c.339G>C (p.Gln113His)

Gene: THPO (thrombopoietin; minus strand). Cytogenetic location: 3q27.1.
Variant type: single nucleotide variant.
Coding change: c.339G>C on transcript NM_000460.4 (MANE Select); coding-DNA position 339, G replaced by C.
Protein change: p.Gln113His; replaces glutamine 113 with histidine.
Molecular consequence: missense variant.
Genome position (GRCh38, 1-based): chr3:184,373,472, C>G on the plus strand (G>C on the coding strand, the complement: THPO is on the minus strand). VCF-style: chr3-184373472-C-G. GRCh37 (hg19) VCF-style: chr3-184091260-C-G.
Other names: c.339G>C (NM_000460.3); c.339G>C, p.Gln113His (NM_001177597.2, NM_001177598.2, NM_001289997.1 and 5 more transcripts); c.759G>C, p.Gln253His (NM_001290003.1); short protein forms Q113H, Q253H.
Identifiers: ClinVar variation 2973995 (VCV002973995.4), dbSNP rs746148859, ClinGen allele CA88912993.
Genomic context (GRCh38, chr3:184,373,472, plus strand): 5'-TACCTGGGTTCCAAGGAGGCTCTGCAGGGCCCCAAGGAGGAGACGGACCTGTCCAGAAAG[C>G]TGCCCCAGGAGGGATGAGAGGCAAGTGGGTCCCAGTTGTCCCCGTGCTGCCATCACTCCC-3'
Protein context (NP_000451.1, residues 103-123): GPTCLSSLLG[Gln113His]LSGQVRLLLG